The following is an entry in ClinVar:

ClinVar aggregate classification (germline): Uncertain significance (1 of 4 stars; one submission).

Submission:

Labcorp Genetics (formerly Invitae), Labcorp
Classification: Uncertain significance. Last evaluated: 2021-06-23. Review status: criteria provided, single submitter. Criteria: Invitae Variant Classification Sherloc (09022015). Collection method: clinical testing. Allele origin: germline.
Comment: In summary, the available evidence is currently insufficient to determine the role of this variant in disease. Therefore, it has been classified as a Variant of Uncertain Significance. This variant is not present in population databases (ExAC no frequency). This sequence change replaces glutamic acid with glutamine at codon 437 of the MSH3 protein (p.Glu437Gln). The glutamic acid residue is highly conserved and there is a small physicochemical difference between glutamic acid and glutamine. This variant has not been reported in the literature in individuals with MSH3-related conditions. Algorithms developed to predict the effect of missense changes on protein structure and function (SIFT, PolyPhen-2, Align-GVGD) all suggest that this variant is likely to be tolerated, but these predictions have not been confirmed by published functional studies and their clinical significance is uncertain.

NM_002439.5(MSH3):c.1309G>C (p.Glu437Gln)

Gene: MSH3 (mutS homolog 3; plus strand). Cytogenetic location: 5q14.1.
Variant type: single nucleotide variant.
Coding change: c.1309G>C on transcript NM_002439.5 (MANE Select); coding-DNA position 1309, G replaced by C.
Protein change: p.Glu437Gln; replaces glutamic acid 437 with glutamine.
Molecular consequence: missense variant.
Genome position (GRCh38, 1-based): chr5:80,679,062, G>C. VCF-style: chr5-80679062-G-C. GRCh37 (hg19) VCF-style: chr5-79974881-G-C.
Other names: short protein forms E437Q.
Identifiers: ClinVar variation 1402506 (VCV001402506.8), dbSNP rs2112819171, ClinGen allele CA360269090.